The following is an entry in ClinVar:

NM_001384125.1(BLTP1):c.13793C>T (p.Ser4598Leu)

Gene: BLTP1 (bridge-like lipid transfer protein family member 1; plus strand). Cytogenetic location: 4q27.
Variant type: single nucleotide variant.
Coding change: c.13793C>T on transcript NM_001384125.1 (MANE Select); coding-DNA position 13793, C replaced by T.
Protein change: p.Ser4598Leu; replaces serine 4598 with leucine.
Molecular consequence: missense variant.
Genome position (GRCh38, 1-based): chr4:122,349,540, C>T. VCF-style: chr4-122349540-C-T. GRCh37 (hg19) VCF-style: chr4-123270695-C-T.
Other names: c.13529C>T, p.Ser4510Leu (NM_015312.4); short protein forms S4510L, S4598L.
Identifiers: ClinVar variation 1312034 (VCV001312034.2), dbSNP rs2150309986, ClinGen allele CA358093269.
Genomic context (GRCh38, chr4:122,349,540, plus strand): 5'-CCAGTCACAAAATTCAGATTACTATGGGTTCTACTGAAGCTCGTGTTGATTACATGGGCT[C>T]AAGTATCCTCATGGGCATCTTCAGTAATGCTGATCTTAAGCTTCAGGATGAATGGAAAGT-3'
Protein context (NP_001371054.1, residues 4588-4608): STEARVDYMG[Ser4598Leu]SILMGIFSNA

ClinVar aggregate classification (germline): Uncertain significance (1 of 4 stars; one submission).

Submission:

GeneDx
Classification: Uncertain significance. Last evaluated: 2019-09-17. Review status: criteria provided, single submitter. Criteria: GeneDx Variant Classification Process June 2021. Collection method: clinical testing. Allele origin: germline. Affected: yes.
Comment: Not observed in large population cohorts (Lek et al., 2016); In silico analysis, which includes protein predictors and evolutionary conservation, supports a deleterious effect; Has not been previously published as pathogenic or benign to our knowledge